The following is an entry in ClinVar:

ClinVar aggregate classification (germline): Uncertain significance (1 of 4 stars; one submission).

Conditions:
Acrocallosal syndrome (ACLS). Also called: HALLUX DUPLICATION, POSTAXIAL POLYDACTYLY, AND ABSENCE OF CORPUS CALLOSUM; Schinzel syndrome 1; Absence of corpus callosum with unusual facial appearance, mental deficiency, duplication of the halluces and polydactyly. Identifiers: Orphanet 36, MedGen C0796147, MONDO:0008708, OMIM 200990.

Submission:

Labcorp Genetics (formerly Invitae), Labcorp
Classification: Uncertain significance for Acrocallosal syndrome. Last evaluated: 2021-09-10. Review status: criteria provided, single submitter. Criteria: Invitae Variant Classification Sherloc (09022015). Collection method: clinical testing. Allele origin: germline.
Comment: In summary, the available evidence is currently insufficient to determine the role of this variant in disease. Therefore, it has been classified as a Variant of Uncertain Significance. Experimental studies and prediction algorithms are not available or were not evaluated, and the functional significance of this variant is currently unknown. This variant has not been reported in the literature in individuals with KIF7-related conditions. This variant is not present in population databases (ExAC no frequency). This variant, c.3765_3782del, results in the deletion of 6 amino acid(s) of the KIF7 protein (p.Glu1256_Thr1261del), but otherwise preserves the integrity of the reading frame.

NM_198525.3(KIF7):c.3765_3782del (p.Glu1256_Thr1261del)

Gene: KIF7 (kinesin family member 7; minus strand). Cytogenetic location: 15q26.1.
Variant type: Deletion.
Coding change: c.3765_3782del on transcript NM_198525.3 (MANE Select); coding-DNA positions 3765 to 3782, 18 bases deleted (TGAGGGGGCCCCCCGCAC).
Protein change: p.Glu1256_Thr1261del.
Molecular consequence: inframe deletion.
Genome position (GRCh38, 1-based): chr15:89,628,669-89,628,686, GTGCGGGGGGCCCCCTCA deleted on the plus strand (TGAGGGGGCCCCCCGCAC on the coding strand, the reverse complement: KIF7 is on the minus strand); deleting any 18 consecutive bases within chr15:89,628,669-89,628,689 gives the same sequence; the c. name uses the placement nearest the transcript's 3' end. VCF-style (leftmost placement, unchanged base first): chr15-89628668-GGTGCGGGGGGCCCCCTCA-G. GRCh37 (hg19) VCF-style: chr15-90171899-GGTGCGGGGGGCCCCCTCA-G.
Identifiers: ClinVar variation 1359164 (VCV001359164.6), dbSNP rs1963591052, ClinGen allele CA2194755188.